The following is an entry in ClinVar:

ClinVar aggregate classification (germline): Uncertain significance (1 of 4 stars; one submission).

Conditions:
Emery-Dreifuss muscular dystrophy 5, autosomal dominant (EDMD5). Also called: EMERY-DREIFUSS MUSCULAR DYSTROPHY 5. Identifiers: Orphanet 261, MedGen C2751805, MONDO:0013072, OMIM 612999.

Submission:

Labcorp Genetics (formerly Invitae), Labcorp
Classification: Uncertain significance for Emery-Dreifuss muscular dystrophy 5, autosomal dominant. Last evaluated: 2023-06-11. Review status: criteria provided, single submitter. Criteria: Invitae Variant Classification Sherloc (09022015). Collection method: clinical testing. Allele origin: germline.
Comment: In summary, the available evidence is currently insufficient to determine the role of this variant in disease. Therefore, it has been classified as a Variant of Uncertain Significance. An algorithm developed to predict the effect of missense changes on protein structure and function (PolyPhen-2) suggests that this variant is likely to be disruptive. This variant has not been reported in the literature in individuals affected with SYNE2-related conditions. This variant is not present in population databases (gnomAD no frequency). This sequence change replaces arginine, which is basic and polar, with threonine, which is neutral and polar, at codon 5825 of the SYNE2 protein (p.Arg5825Thr).

NM_182914.3(SYNE2):c.17474G>C (p.Arg5825Thr)

Gene: SYNE2 (spectrin repeat containing nuclear envelope protein 2; plus strand). Cytogenetic location: 14q23.2.
Variant type: single nucleotide variant.
Coding change: c.17474G>C on transcript NM_182914.3 (MANE Select); coding-DNA position 17474, G replaced by C.
Protein change: p.Arg5825Thr; replaces arginine 5825 with threonine.
Molecular consequence: missense variant.
Genome position (GRCh38, 1-based): chr14:64,177,401, G>C. VCF-style: chr14-64177401-G-C. GRCh37 (hg19) VCF-style: chr14-64644119-G-C.
Other names: c.17474G>C, p.Arg5825Thr (NM_015180.6); short protein forms R5825T.
Identifiers: ClinVar variation 2711874 (VCV002711874.3), dbSNP rs2549659706, ClinGen allele CA389984890.